The following is an entry in ClinVar:

ClinVar aggregate classification (germline): Uncertain significance (1 of 4 stars; one submission).

Submission:

Labcorp Genetics (formerly Invitae), Labcorp
Classification: Uncertain significance. Last evaluated: 2025-04-21. Review status: criteria provided, single submitter. Criteria: Invitae Variant Classification Sherloc (09022015). Collection method: clinical testing. Allele origin: germline.
Comment: This sequence change replaces histidine, which is basic and polar, with proline, which is neutral and non-polar, at codon 1194 of the TTBK2 protein (p.His1194Pro). This variant is not present in population databases (gnomAD no frequency). This variant has not been reported in the literature in individuals affected with TTBK2-related conditions. ClinVar contains an entry for this variant (Variation ID: 2811385). An algorithm developed to predict the effect of missense changes on protein structure and function (PolyPhen-2) suggests that this variant is likely to be disruptive. In summary, the available evidence is currently insufficient to determine the role of this variant in disease. Therefore, it has been classified as a Variant of Uncertain Significance.

NM_173500.4(TTBK2):c.3581A>C (p.His1194Pro)

Gene: TTBK2 (tau tubulin kinase 2; minus strand). Cytogenetic location: 15q15.2.
Variant type: single nucleotide variant.
Coding change: c.3581A>C on transcript NM_173500.4 (MANE Select); coding-DNA position 3581, A replaced by C.
Protein change: p.His1194Pro; replaces histidine 1194 with proline.
Molecular consequence: missense variant.
Genome position (GRCh38, 1-based): chr15:42,745,949, T>G on the plus strand (A>C on the coding strand, the complement: TTBK2 is on the minus strand). VCF-style: chr15-42745949-T-G. GRCh37 (hg19) VCF-style: chr15-43038147-T-G.
Other names: short protein forms H1194P.
Identifiers: ClinVar variation 2811385 (VCV002811385.3), dbSNP rs2506164619, ClinGen allele CA392065207.